The following is an entry in ClinVar:

ClinVar aggregate classification (germline): Conflicting classifications of pathogenicity. Review status: criteria provided, conflicting classifications (1 of 4 stars). 4 submissions from 4 submitters: Uncertain significance (2); Likely benign (1). 1 of the submissions does not count toward it. Last evaluated 2025-07-01.

Conditions:
PLCG2-related disorder. Also called: PLCG2-related condition.
Familial cold autoinflammatory syndrome 3 (FCAS3). Also called: FAMILIAL ATYPICAL COLD URTICARIA; ANTIBODY DEFICIENCY AND IMMUNE DYSREGULATION, PLCG2-ASSOCIATED. Identifiers: Orphanet 300359, MedGen C3280914, MONDO:0013766, OMIM 614468.

Allele frequency attached by ClinVar (database versions not stated): ExAC 0.00009; gnomAD 0.00004; TOPMed 0.00004; gnomAD exomes 0.00008.
gnomAD v4.1: 40 of 1,592,548 alleles (0.0025%); highest among the groups gnomAD compares: East Asian, 0.054%; no homozygotes.

Submissions (4):

CeGaT Center for Human Genetics Tuebingen
Classification: Likely benign. Last evaluated: 2025-07-01. Review status: criteria provided, single submitter. Criteria: CeGaT Center For Human Genetics Tuebingen Variant Classification Criteria Version 2. Collection method: clinical testing. Allele origin: germline. Affected: yes. Observed: 2 variant alleles.
Comment: PLCG2: BP4, BP7

Labcorp Genetics (formerly Invitae), Labcorp
Classification: Uncertain significance for Familial cold autoinflammatory syndrome 3. Last evaluated: 2021-09-24. Review status: criteria provided, single submitter. Criteria: Invitae Variant Classification Sherloc (09022015). Collection method: clinical testing. Allele origin: germline.
Comment: This sequence change affects codon 860 of the PLCG2 mRNA. It is a 'silent' change, meaning that it does not change the encoded amino acid sequence of the PLCG2 protein. This variant is present in population databases (rs776770937, ExAC 0.08%), and has an allele count higher than expected for a pathogenic variant (PMID: 28166811). This variant has not been reported in the literature in individuals with PLCG2-related conditions. Algorithms developed to predict the effect of sequence changes on RNA splicing suggest that this variant may disrupt the consensus splice site, but this prediction has not been confirmed by published transcriptional studies. In summary, the available evidence is currently insufficient to determine the role of this variant in disease. Therefore, it has been classified as a Variant of Uncertain Significance.

Breakthrough Genomics
Classification: Uncertain significance. Review status: criteria provided, single submitter. Criteria: ACMG Guidelines, 2015. Collection method: not provided. Allele origin: germline. Inheritance: Autosomal dominant inheritance. Affected: yes.

PreventionGenetics, part of Exact Sciences
Classification: Likely benign for PLCG2-related condition. Last evaluated: 2022-03-21. Review status: no assertion criteria provided. Collection method: clinical testing. Allele origin: germline. Not counted in ClinVar's aggregate classification.
Comment: This variant is classified as likely benign based on ACMG/AMP sequence variant interpretation guidelines (Richards et al. 2015 PMID: 25741868, with internal and published modifications).

Literature cited by the submitters: PubMed 28166811 (cited by Labcorp Genetics (formerly Invitae), Labcorp).

NM_002661.5(PLCG2):c.2580C>T (p.Val860=)

Gene: PLCG2 (phospholipase C gamma 2; plus strand). Cytogenetic location: 16q23.3.
Variant type: single nucleotide variant.
Coding change: c.2580C>T on transcript NM_002661.5 (MANE Select); coding-DNA position 2580, C replaced by T.
Protein change: p.Val860=; no amino-acid change (valine 860 retained).
Molecular consequence: synonymous variant.
Genome position (GRCh38, 1-based): chr16:81,928,623, C>T. VCF-style: chr16-81928623-C-T. GRCh37 (hg19) VCF-style: chr16-81962228-C-T.
Identifiers: ClinVar variation 662769 (VCV000662769.37), dbSNP rs776770937, ClinGen allele CA8194347.